The following is an entry in ClinVar:

ClinVar aggregate classification (germline): Uncertain significance (1 of 4 stars; one submission).

gnomAD v4.1: 1 of 1,612,176 alleles (0.000062%); highest among the groups gnomAD compares: Non-Finnish European, 0.000085%; no homozygotes.

Submission:

Labcorp Genetics (formerly Invitae), Labcorp
Classification: Uncertain significance. Last evaluated: 2024-12-09. Review status: criteria provided, single submitter. Criteria: Invitae Variant Classification Sherloc (09022015). Collection method: clinical testing. Allele origin: germline.
Comment: This sequence change replaces arginine, which is basic and polar, with glycine, which is neutral and non-polar, at codon 2156 of the DMXL2 protein (p.Arg2156Gly). This variant is present in population databases (no rsID available, gnomAD 0.0009%). This variant has not been reported in the literature in individuals affected with DMXL2-related conditions. An algorithm developed to predict the effect of missense changes on protein structure and function (PolyPhen-2) suggests that this variant is likely to be tolerated. In summary, the available evidence is currently insufficient to determine the role of this variant in disease. Therefore, it has been classified as a Variant of Uncertain Significance.

NM_001378457.1(DMXL2):c.6466A>G (p.Arg2156Gly)

Gene: DMXL2 (Dmx like 2; minus strand). Cytogenetic location: 15q21.2.
Variant type: single nucleotide variant.
Coding change: c.6466A>G on transcript NM_001378457.1 (MANE Select); coding-DNA position 6466, A replaced by G.
Protein change: p.Arg2156Gly; replaces arginine 2156 with glycine.
Molecular consequence: missense variant. On other transcripts: non-coding transcript variant (2).
Genome position (GRCh38, 1-based): chr15:51,480,640, T>C on the plus strand (A>G on the coding strand, the complement: DMXL2 is on the minus strand). VCF-style: chr15-51480640-T-C. GRCh37 (hg19) VCF-style: chr15-51772837-T-C.
Other names: c.6466A>G, p.Arg2156Gly (NM_001174116.3, NM_001378458.1, NM_001378459.1 and 4 more transcripts); c.4558A>G, p.Arg1520Gly (NM_001174117.3); c.4447A>G, p.Arg1483Gly (NM_001378460.1); c.6226A>G, p.Arg2076Gly (NM_001378464.1); short protein forms R1483G, R2076G, R1520G, R2156G.
Identifiers: ClinVar variation 3649719 (VCV003649719.2).